The following is an entry in ClinVar:

NM_005055.5(RAPSN):c.1181A>G (p.Asn394Ser)

Gene: RAPSN (receptor associated protein of the synapse; minus strand). Cytogenetic location: 11p11.2.
Variant type: single nucleotide variant.
Coding change: c.1181A>G on transcript NM_005055.5 (MANE Select); coding-DNA position 1181, A replaced by G.
Protein change: p.Asn394Ser; replaces asparagine 394 with serine.
Molecular consequence: missense variant.
Genome position (GRCh38, 1-based): chr11:47,438,033, T>C on the plus strand (A>G on the coding strand, the complement: RAPSN is on the minus strand). VCF-style: chr11-47438033-T-C. GRCh37 (hg19) VCF-style: chr11-47459584-T-C.
Other names: c.1004A>G, p.Asn335Ser (NM_032645.5); short protein forms N394S, N335S.
Identifiers: ClinVar variation 476117 (VCV000476117.9), dbSNP rs370123138, ClinGen allele CA5976460.

ClinVar aggregate classification (germline): Uncertain significance. Review status: criteria provided, multiple submitters, no conflicts (2 of 4 stars). 3 submissions from 3 submitters: Uncertain significance (2). 1 of the submissions does not count toward it. Last evaluated 2021-12-18.

Conditions:
Fetal akinesia deformation sequence 1 (FADS1). Also called: Pena-Shokeir syndrome type I; Fetal akinesia sequence. Identifiers: Orphanet 994, MedGen C1276035, MONDO:0100101, OMIM 208150, HP:0001989.
Congenital myasthenic syndrome 11. Also called: MYASTHENIC SYNDROME, CONGENITAL, Ie; Myasthenic syndrome, congenital, 11, associated with acetylcholine receptor deficiency. Identifiers: Orphanet 590, MedGen C4225367, MONDO:0014588, OMIM 616326.
Congenital myasthenic syndrome (CMS). Also called: Congenital Myasthenic Syndromes. Identifiers: Orphanet 590, MedGen C0751882, MeSH D020294, MONDO:0018940.

Allele frequency attached by ClinVar (database versions not stated): gnomAD exomes below 0.00001 and 0.00001; gnomAD 0.00001; TOPMed 0.00001; ExAC 0.00005; ESP Exome Variant Server 0.00009.
gnomAD v4.1: 5 of 1,549,774 alleles (0.00032%); highest among the groups gnomAD compares: Non-Finnish European, 0.00044%; no homozygotes.

Submissions (3):

Revvity Omics, Revvity
Classification: Uncertain significance. Last evaluated: 2021-12-18. Review status: criteria provided, single submitter. Criteria: ACMG Guidelines, 2015. Collection method: clinical testing. Allele origin: germline.

Labcorp Genetics (formerly Invitae), Labcorp
Classification: Uncertain significance for Congenital myasthenic syndrome 11; Fetal akinesia deformation sequence 1. Last evaluated: 2021-09-07. Review status: criteria provided, single submitter. Criteria: Invitae Variant Classification Sherloc (09022015). Collection method: clinical testing. Allele origin: germline.
Comment: This sequence change replaces asparagine with serine at codon 394 of the RAPSN protein (p.Asn394Ser). The asparagine residue is moderately conserved and there is a small physicochemical difference between asparagine and serine. This variant is present in population databases (rs370123138, ExAC 0.01%). This variant has not been reported in the literature in individuals affected with RAPSN-related conditions. Algorithms developed to predict the effect of missense changes on protein structure and function (SIFT, PolyPhen-2, Align-GVGD) all suggest that this variant is likely to be tolerated. In summary, the available evidence is currently insufficient to determine the role of this variant in disease. Therefore, it has been classified as a Variant of Uncertain Significance.

Natera, Inc.
Classification: Uncertain significance for Congenital myasthenic syndrome. Last evaluated: 2019-11-11. Review status: no assertion criteria provided. Collection method: clinical testing. Allele origin: germline. Not counted in ClinVar's aggregate classification.